The following is an entry in ClinVar:

ClinVar aggregate classification (germline): Uncertain significance. Review status: criteria provided, multiple submitters, no conflicts (2 of 4 stars). 2 submissions from 2 submitters: Uncertain significance (2). Last evaluated 2023-11-01.

Conditions:
Hereditary cancer-predisposing syndrome. Also called: Neoplastic Syndromes, Hereditary; Hereditary neoplastic syndrome; Tumor predisposition; Hereditary Cancer Syndrome. Identifiers: Orphanet 140162, MedGen C0027672, MeSH D009386, MONDO:0015356.
POLD1-related polyposis and colorectal cancer syndrome (CRCS10). Also called: Colorectal cancer 10; COLORECTAL CANCER, SUSCEPTIBILITY TO, ON CHROMOSOME 19q; Colorectal cancer, susceptibility to, 10. Identifiers: Orphanet 220460, MedGen C2675481, MONDO:0012953, OMIM 612591.

Submissions (2):

Labcorp Genetics (formerly Invitae), Labcorp
Classification: Uncertain significance for POLD1-related polyposis and colorectal cancer syndrome. Last evaluated: 2023-11-01. Review status: criteria provided, single submitter. Criteria: Invitae Variant Classification Sherloc (09022015). Collection method: clinical testing. Allele origin: germline.
Comment: This sequence change replaces glutamic acid, which is acidic and polar, with alanine, which is neutral and non-polar, at codon 318 of the POLD1 protein (p.Glu318Ala). This variant is not present in population databases (gnomAD no frequency). This variant has not been reported in the literature in individuals affected with POLD1-related conditions. ClinVar contains an entry for this variant (Variation ID: 469397). Advanced modeling of protein sequence and biophysical properties (such as structural, functional, and spatial information, amino acid conservation, physicochemical variation, residue mobility, and thermodynamic stability) performed at Invitae indicates that this missense variant is expected to disrupt POLD1 protein function with a positive predictive value of 80%. In summary, the available evidence is currently insufficient to determine the role of this variant in disease. Therefore, it has been classified as a Variant of Uncertain Significance.

Ambry Genetics
Classification: Uncertain significance for Hereditary cancer-predisposing syndrome. Last evaluated: 2018-03-26. Review status: criteria provided, single submitter. Criteria: Ambry Variant Classification Scheme 2023. Collection method: clinical testing. Allele origin: germline.
Comment: The p.E318A variant (also known as c.953A>C), located in coding exon 7 of the POLD1 gene, results from an A to C substitution at nucleotide position 953. The glutamic acid at codon 318 is replaced by alanine, an amino acid with dissimilar properties. Based on internal structural analysis using published crystal structures, p.E318A is structurally deleterious (Ambry internal data). This amino acid position is highly conserved in available vertebrate species. In addition, this alteration is predicted to be deleterious by in silico analysis. Since supporting evidence is limited at this time, the clinical significance of this alteration remains unclear.

NM_002691.4(POLD1):c.953A>C (p.Glu318Ala)

Gene: POLD1 (DNA polymerase delta 1, catalytic subunit; plus strand). Cytogenetic location: 19q13.33.
Variant type: single nucleotide variant.
Coding change: c.953A>C on transcript NM_002691.4 (MANE Select); coding-DNA position 953, A replaced by C.
Protein change: p.Glu318Ala; replaces glutamic acid 318 with alanine.
Molecular consequence: missense variant. On other transcripts: non-coding transcript variant (1).
Genome position (GRCh38, 1-based): chr19:50,402,724, A>C. VCF-style: chr19-50402724-A-C. GRCh37 (hg19) VCF-style: chr19-50905981-A-C.
Other names: c.953A>C, p.Glu318Ala (NM_001256849.1, NM_001308632.1); short protein forms E318A.
Identifiers: ClinVar variation 469397 (VCV000469397.11), dbSNP rs1555790304, ClinGen allele CA406977377.
Genomic context (GRCh38, chr19:50,402,724, plus strand): 5'-ACCCACCGGAAGGGCCATGGCAGCGCATTGCGCCCTTGCGCGTGCTCAGCTTCGATATCG[A>C]GTGCGCCGGCCGCAAAGGTCTGTCCCCGGGCCCGGGCTCCTGCCCGCCTCATTGATGTGC-3'
Protein context (NP_002682.2, residues 308-328): APLRVLSFDI[Glu318Ala]CAGRKGIFPE